The following is an entry in ClinVar:

ClinVar aggregate classification (germline): Uncertain significance (1 of 4 stars; one submission).

Conditions:
Cardiomyopathy (CMYO). Also called: Cardiomyopathies. Identifiers: Orphanet 167848, MedGen C0878544, MONDO:0004994, HP:0001638. Inheritance: Various modes of inheritance.

gnomAD v4.1: 2 of 1,610,372 alleles (0.00012%); highest among the groups gnomAD compares: Non-Finnish European, 0.00017%; no homozygotes.

Submission:

Color Diagnostics, LLC DBA Color Health
Classification: Uncertain significance for Cardiomyopathy. Last evaluated: 2025-06-29. Review status: criteria provided, single submitter. Criteria: ACMG Guidelines, 2015. Collection method: clinical testing. Allele origin: germline.
Comment: This missense variant replaces serine with arginine at codon 560 of the RYR2 protein. Computational prediction suggests that this variant may have deleterious impact on protein structure and function. To our knowledge, functional studies have not been reported for this variant. This variant has not been reported in individuals affected with RYR2-related disorders in the literature. This variant has not been identified in the general population by the Genome Aggregation Database (gnomAD). The available evidence is insufficient to determine the role of this variant in disease conclusively. Therefore, this variant is classified as a Variant of Uncertain Significance.

NM_001035.3(RYR2):c.1678A>C (p.Ser560Arg)

Gene: RYR2 (ryanodine receptor 2; plus strand). Cytogenetic location: 1q43.
Variant type: single nucleotide variant.
Coding change: c.1678A>C on transcript NM_001035.3 (MANE Select); coding-DNA position 1678, A replaced by C.
Protein change: p.Ser560Arg; replaces serine 560 with arginine.
Molecular consequence: missense variant.
Genome position (GRCh38, 1-based): chr1:237,469,157, A>C. VCF-style: chr1-237469157-A-C. GRCh37 (hg19) VCF-style: chr1-237632457-A-C.
Other names: short protein forms S560R.
Identifiers: ClinVar variation 4757185 (VCV004757185.1).
Genomic context (GRCh38, chr1:237,469,157, plus strand): 5'-CTAATTAGAGGAAATCGTAAAAACTGTGCTCAATTTTCTGGCTCCCTCGACTGGTTGATC[A>C]GCAGATTGGAAAGACTGGAAGCTTCTTCAGGTATGTTTTCTAGTTTTTTCCTTGTTGTGA-3'
Protein context (NP_001026.2, residues 550-570): QFSGSLDWLI[Ser560Arg]RLERLEASSG